The following is an entry in ClinVar:

ClinVar aggregate classification (germline): Pathogenic. Review status: reviewed by expert panel (3 of 4 stars). 2 submissions from 2 submitters: Pathogenic (1). 1 of the submissions does not count toward it. Last evaluated 2016-09-08.

Conditions:
Hereditary cancer-predisposing syndrome. Also called: Hereditary Cancer Syndrome; Neoplastic Syndromes, Hereditary; Hereditary neoplastic syndrome; Tumor predisposition. Identifiers: Orphanet 140162, MedGen C0027672, MeSH D009386, MONDO:0015356.
Breast-ovarian cancer, familial, susceptibility to, 1 (BROVCA1). Also called: BRCA1 Hereditary Breast and Ovarian Cancer; OVARIAN CANCER, SUSCEPTIBILITY TO. Identifiers: Orphanet 145, MedGen C2676676, MONDO:0011450, OMIM 604370. Disease mechanism: loss of function.

Submissions (2):

Evidence-based Network for the Interpretation of Germline Mutant Alleles (ENIGMA)
Classification: Pathogenic for Breast-ovarian cancer, familial, susceptibility to, 1. Last evaluated: 2016-09-08. Review status: reviewed by expert panel. Criteria: ENIGMA BRCA1/2 Classification Criteria (2015). Collection method: curation. Allele origin: germline.
Comment: Variant allele predicted to encode a truncated non-functional protein.

Color Diagnostics, LLC DBA Color Health
Classification: Pathogenic for Hereditary cancer-predisposing syndrome. Last evaluated: 2020-01-15. Review status: criteria provided, single submitter. Criteria: ACMG Guidelines, 2015. Collection method: clinical testing. Allele origin: germline. Not counted in ClinVar's aggregate classification.
Comment: This variant deletes 35 nucleotides in exon 10 of the BRCA1 gene, creating a frameshift and premature translation stop signal. This variant is expected to result in an absent or non-functional protein product. This variant has not been identified in the general population by the Genome Aggregation Database (gnomAD). Loss of BRCA1 function is a known mechanism of disease. Based on the available evidence, this variant is classified as Pathogenic.

NM_007294.4(BRCA1):c.2246_2280del (p.Asp749fs)

Gene: BRCA1 (BRCA1 DNA repair associated; minus strand). Cytogenetic location: 17q21.31.
Variant type: Deletion.
Coding change: c.2246_2280del on transcript NM_007294.4 (MANE Select); coding-DNA positions 2246 to 2280, 35 bases deleted.
Protein change: p.Asp749fs; shifts the reading frame from aspartic acid 749.
Molecular consequence: frameshift variant. On other transcripts: intron variant (137).
Genome position (GRCh38, 1-based): chr17:43,093,251-43,093,285, 35 bases deleted. GRCh37 (hg19): chr17:41,245,268-41,245,302.
Other names: c.2246_2280delATCTCATGTTAAGTGGAGAAAGGGTTTTGCAAACT (NM_007294.3); c.2033_2067del, p.Asp678fs (NM_001407571.1, NM_001407853.1, NM_001407894.1 and 9 more transcripts); c.2246_2280del, p.Asp749fs (NM_001407581.1, NM_001407582.1, NM_001407583.1 and 30 more transcripts); c.2243_2277del, p.Asp748fs (NM_001407587.1, NM_001407590.1, NM_001407591.1 and 22 more transcripts); c.2237_2271del, p.Asp746fs (NM_001407646.1, NM_001407647.1); c.2123_2157del, p.Asp708fs (NM_001407648.1, NM_001407664.1, NM_001407665.1 and 19 more transcripts); c.2120_2154del, p.Asp707fs (NM_001407649.1, NM_001407670.1, NM_001407671.1 and 11 more transcripts); c.2168_2202del, p.Asp723fs (NM_001407653.1, NM_001407654.1, NM_001407655.1 and 4 more transcripts); and 42 more; short protein forms D749fs, D702fs, D581fs, D621fs, D637fs, D746fs, D453fs, D638fs.
Identifiers: ClinVar variation 254410 (VCV000254410.7), dbSNP rs886037998, ClinGen allele CA10586646.